The following is an entry in ClinVar:

NM_000465.4(BARD1):c.1429G>T (p.Val477Leu)

Gene: BARD1 (BRCA1 associated RING domain 1; minus strand). Cytogenetic location: 2q35.
Variant type: single nucleotide variant.
Coding change: c.1429G>T on transcript NM_000465.4 (MANE Select); coding-DNA position 1429, G replaced by T.
Protein change: p.Val477Leu; replaces valine 477 with leucine.
Molecular consequence: missense variant. On other transcripts: non-coding transcript variant (3), intron variant (3).
Genome position (GRCh38, 1-based): chr2:214,767,621, C>A on the plus strand (G>T on the coding strand, the complement: BARD1 is on the minus strand). VCF-style: chr2-214767621-C-A. GRCh37 (hg19) VCF-style: chr2-215632345-C-A.
Other names: c.1372G>T, p.Val458Leu (NM_001282543.2); c.159-15066G>T (NM_001282548.2); c.216-15066G>T (NM_001282545.2); c.364+24676G>T (NM_001282549.2); short protein forms V458L, V477L.
Identifiers: ClinVar variation 1476566 (VCV001476566.12), dbSNP rs1024564785, ClinGen allele CA350448635.

ClinVar aggregate classification (germline): Uncertain significance. Review status: criteria provided, multiple submitters, no conflicts (2 of 4 stars). 2 submissions from 2 submitters: Uncertain significance (2). Last evaluated 2025-04-28.

Conditions:
Hereditary cancer-predisposing syndrome. Also called: Neoplastic Syndromes, Hereditary; Hereditary Cancer Syndrome; Tumor predisposition; Hereditary neoplastic syndrome. Identifiers: Orphanet 140162, MedGen C0027672, MeSH D009386, MONDO:0015356.
Familial cancer of breast. Also called: hereditary breast carcinoma; BREAST CANCER, FAMILIAL; Hereditary breast cancer. Identifiers: Orphanet 227535, MedGen C0346153, MONDO:0016419, OMIM 114480. Disease mechanism: loss of function.

Submissions (2):

Ambry Genetics
Classification: Uncertain significance for Hereditary cancer-predisposing syndrome. Last evaluated: 2025-04-28. Review status: criteria provided, single submitter. Criteria: Ambry Variant Classification Scheme 2023. Collection method: clinical testing. Allele origin: germline.
Comment: The p.V477L variant (also known as c.1429G>T), located in coding exon 6 of the BARD1 gene, results from a G to T substitution at nucleotide position 1429. The valine at codon 477 is replaced by leucine, an amino acid with highly similar properties. This amino acid position is highly conserved in available vertebrate species. In addition, the in silico prediction for this alteration is inconclusive. Since supporting evidence is limited at this time, the clinical significance of this alteration remains unclear.

Labcorp Genetics (formerly Invitae), Labcorp
Classification: Uncertain significance for Familial cancer of breast. Last evaluated: 2023-12-23. Review status: criteria provided, single submitter. Criteria: Invitae Variant Classification Sherloc (09022015). Collection method: clinical testing. Allele origin: germline.
Comment: This sequence change replaces valine, which is neutral and non-polar, with leucine, which is neutral and non-polar, at codon 477 of the BARD1 protein (p.Val477Leu). This variant is not present in population databases (gnomAD no frequency). This variant has not been reported in the literature in individuals affected with BARD1-related conditions. ClinVar contains an entry for this variant (Variation ID: 1476566). An algorithm developed to predict the effect of missense changes on protein structure and function (PolyPhen-2) suggests that this variant is likely to be disruptive. In summary, the available evidence is currently insufficient to determine the role of this variant in disease. Therefore, it has been classified as a Variant of Uncertain Significance.